The following is an entry in ClinVar:

ClinVar aggregate classification (germline): Benign/Likely benign. Review status: criteria provided, multiple submitters, no conflicts (2 of 4 stars). 4 submissions from 4 submitters: Benign (1); Likely benign (3). Last evaluated 2026-02-02.

Conditions:
Intellectual disability, autosomal recessive 53 (NEDHSCA). Also called: GLYCOSYLPHOSPHATIDYLINOSITOL BIOSYNTHESIS DEFECT 13; Mental retardation, autosomal recessive 53; NEURODEVELOPMENTAL DISORDER WITH OR WITHOUT HYPOTONIA, SEIZURES, AND CEREBELLAR ATROPHY. Identifiers: Orphanet 488635, MedGen C4310794, MONDO:0014832, OMIM 616917.

Allele frequency attached by ClinVar (database versions not stated): gnomAD exomes 0.00083 and 0.00209; ExAC 0.00267; gnomAD 0.00875 and 0.00937; ESP Exome Variant Server 0.00961; TOPMed 0.00961; 1000 Genomes Project 0.01058; 1000 Genomes Project 30x 0.01109.
gnomAD v4.1: 2,587 of 1,611,608 alleles (0.16%); highest among the groups gnomAD compares: African/African-American, 3%; 45 homozygotes.

Submissions (4):

Labcorp Genetics (formerly Invitae), Labcorp
Classification: Benign for Intellectual disability, autosomal recessive 53. Last evaluated: 2026-02-02. Review status: criteria provided, single submitter. Criteria: Invitae Variant Classification Sherloc (09022015). Collection method: clinical testing. Allele origin: germline.

GeneDx
Classification: Likely benign. Last evaluated: 2021-05-14. Review status: criteria provided, single submitter. Criteria: GeneDx Variant Classification Process June 2021. Collection method: clinical testing. Allele origin: germline. Affected: yes.

Center for Pediatric Genomic Medicine, Children's Mercy Hospital and Clinics
Classification: Likely benign. Last evaluated: 2016-12-02. Review status: criteria provided, single submitter. Criteria: ACMG Guidelines, 2015. Collection method: clinical testing. Allele origin: germline.
ClinVar note: Converted during submission from Likely Benign to Likely benign.

Breakthrough Genomics
Classification: Likely benign. Review status: criteria provided, single submitter. Criteria: ACMG Guidelines, 2015. Collection method: not provided. Allele origin: germline. Inheritance: Autosomal recessive inheritance. Affected: yes.

NM_001127178.3(PIGG):c.158C>A (p.Ala53Asp)

Gene: PIGG (phosphatidylinositol glycan anchor biosynthesis class G (EMM blood group); plus strand). Cytogenetic location: 4p16.3.
Variant type: single nucleotide variant.
Coding change: c.158C>A on transcript NM_001127178.3 (MANE Select); coding-DNA position 158, C replaced by A.
Protein change: p.Ala53Asp; replaces alanine 53 with aspartic acid.
Molecular consequence: missense variant. On other transcripts: 5 prime UTR variant (10), non-coding transcript variant (10).
Genome position (GRCh38, 1-based): chr4:500,399, C>A. VCF-style: chr4-500399-C-A. GRCh37 (hg19) VCF-style: chr4-494188-C-A.
Other names: c.-110C>A (NM_001289051.2, NM_001289053.2, NM_001289057.2 and 2 more transcripts); c.158C>A, p.Ala53Asp (NM_001289052.2, NM_001345989.2, NM_017733.5); c.-279C>A (NM_001289055.2); c.-730C>A (NM_001345988.2); c.-1468C>A (NM_001345990.2); c.-1330C>A (NM_001345991.2); c.-1055C>A (NM_001345994.2); short protein forms A53D.
Identifiers: ClinVar variation 376911 (VCV000376911.16), dbSNP rs28454778, ClinGen allele CA2792926.
Genomic context (GRCh38, chr4:500,399, plus strand): 5'-CTTGATGCTAAGGAAAGTTTAGAGTTCAATTTCCTTTTTTTTCTTTCAAACACTTAGGAG[C>A]CAGTTCTAACTGGACCACGCTGCCACCACCTCTCTTCAGTAAAGTTGTTATTGTTCTGAT-3'
Protein context (NP_001120650.1, residues 43-63): EPPAPEPSAG[Ala53Asp]SSNWTTLPPP